The following is an entry in ClinVar:

ClinVar aggregate classification (germline): Uncertain significance (1 of 4 stars; one submission).

gnomAD v4.1: 1 of 1,614,084 alleles (0.000062%); no homozygotes.

Submission:

Ambry Genetics
Classification: Uncertain significance. Last evaluated: 2022-09-28. Review status: criteria provided, single submitter. Criteria: Ambry Variant Classification Scheme 2023. Collection method: clinical testing. Allele origin: germline.
Comment: The p.G380A variant (also known as c.1139G>C), located in coding exon 3 of the ALPK2 gene, results from a G to C substitution at nucleotide position 1139. The glycine at codon 380 is replaced by alanine, an amino acid with similar properties. This amino acid position is conserved. In addition, this alteration is predicted to be tolerated by in silico analysis. Since supporting evidence is limited at this time, the clinical significance of this alteration remains unclear.

NM_052947.4(ALPK2):c.1139G>C (p.Gly380Ala)

Genes: ALPK2 (alpha kinase 2; minus strand), LOC114803473 (ALPK2 eExon liver enhancer; plus strand). Cytogenetic location: 18q21.31.
Variant type: single nucleotide variant.
Coding change: c.1139G>C on transcript NM_052947.4 (MANE Select); coding-DNA position 1139, G replaced by C.
Protein change: p.Gly380Ala; replaces glycine 380 with alanine.
Molecular consequence: missense variant.
Genome position (GRCh38, 1-based): chr18:58,579,637, C>G on the plus strand (G>C on the coding strand, the complement: ALPK2 is on the minus strand). VCF-style: chr18-58579637-C-G. GRCh37 (hg19) VCF-style: chr18-56246869-C-G.
Other names: short protein forms G380A.
Identifiers: ClinVar variation 1730661 (VCV001730661.2), dbSNP rs2051944926, ClinGen allele CA402564542.